The following is an entry in ClinVar:

NM_005732.4(RAD50):c.2770C>T (p.Gln924Ter)

Gene: RAD50 (RAD50 double strand break repair protein; plus strand). Cytogenetic location: 5q31.1.
Variant type: single nucleotide variant.
Coding change: c.2770C>T on transcript NM_005732.4 (MANE Select); coding-DNA position 2770, C replaced by T.
Protein change: p.Gln924Ter; replaces glutamine 924 with a stop codon.
Molecular consequence: nonsense.
Genome position (GRCh38, 1-based): chr5:132,608,666, C>T. VCF-style: chr5-132608666-C-T. GRCh37 (hg19) VCF-style: chr5-131944358-C-T.
Other names: short protein forms Q924*.
Identifiers: ClinVar variation 484705 (VCV000484705.14), dbSNP rs1554099320, ClinGen allele CA360958882.

ClinVar aggregate classification (germline): Pathogenic. Review status: criteria provided, multiple submitters, no conflicts (2 of 4 stars). 3 submissions from 3 submitters: Pathogenic (3). Last evaluated 2021-10-17.

Conditions:
Nijmegen breakage syndrome-like disorder (NBSLD). Also called: MICROCEPHALY AND SPONTANEOUS CHROMOSOME INSTABILITY WITHOUT IMMUNODEFICIENCY; NBS-LIKE DISORDER; RAD50 DEFICIENCY. Identifiers: Orphanet 240760, MedGen C2751318, MONDO:0013118, OMIM 613078.
Hereditary cancer-predisposing syndrome. Also called: Neoplastic Syndromes, Hereditary; Tumor predisposition; Hereditary Cancer Syndrome; Hereditary neoplastic syndrome. Identifiers: Orphanet 140162, MedGen C0027672, MeSH D009386, MONDO:0015356.

Allele frequency attached by ClinVar (database versions not stated): gnomAD exomes below 0.00001; TOPMed below 0.00001; gnomAD 0.00001.
gnomAD v4.1: 2 of 1,600,206 alleles (0.00012%); highest among the groups gnomAD compares: African/African-American, 0.0027%; no homozygotes.

Submissions (3):

Labcorp Genetics (formerly Invitae), Labcorp
Classification: Pathogenic for Hereditary cancer-predisposing syndrome. Last evaluated: 2021-10-17. Review status: criteria provided, single submitter. Criteria: Invitae Variant Classification Sherloc (09022015). Collection method: clinical testing. Allele origin: germline.
Comment: Algorithms developed to predict the effect of sequence changes on RNA splicing suggest that this variant may create or strengthen a splice site. ClinVar contains an entry for this variant (Variation ID: 484705). This variant has not been reported in the literature in individuals affected with RAD50-related conditions. This variant is not present in population databases (ExAC no frequency). This sequence change creates a premature translational stop signal (p.Gln924*) in the RAD50 gene. It is expected to result in an absent or disrupted protein product. Loss-of-function variants in RAD50 are known to be pathogenic (PMID: 19409520). For these reasons, this variant has been classified as Pathogenic.

Ambry Genetics
Classification: Pathogenic for Hereditary cancer-predisposing syndrome. Last evaluated: 2020-05-26. Review status: criteria provided, single submitter. Criteria: Ambry Variant Classification Scheme 2023. Collection method: clinical testing. Allele origin: germline.
Comment: The p.Q924* pathogenic mutation (also known as c.2770C>T), located in coding exon 17 of the RAD50 gene, results from a C to T substitution at nucleotide position 2770. This changes the amino acid from a glutamine to a stop codon within coding exon 17. This alteration is expected to result in loss of function by premature protein truncation or nonsense-mediated mRNA decay. As such, this alteration is interpreted as a disease-causing mutation.

Revvity Omics, Revvity
Classification: Pathogenic for Nijmegen breakage syndrome-like disorder. Last evaluated: 2019-08-05. Review status: criteria provided, single submitter. Criteria: ACMG Guidelines, 2015. Collection method: clinical testing. Allele origin: germline.

Literature cited by the submitters: PubMed 19409520 (cited by Labcorp Genetics (formerly Invitae), Labcorp).